The following is an entry in ClinVar:

ClinVar aggregate classification (germline): Uncertain significance. Review status: criteria provided, multiple submitters, no conflicts (2 of 4 stars). 2 submissions from 2 submitters: Uncertain significance (2). Last evaluated 2025-07-08.

Allele frequency attached by ClinVar (database versions not stated): ExAC 0.00001; gnomAD 0.00001; TOPMed 0.00002; gnomAD exomes 0.00007.
gnomAD v4.1: 110 of 1,614,026 alleles (0.0068%); highest among the groups gnomAD compares: Non-Finnish European, 0.0089%; no homozygotes.

Submissions (2):

Labcorp Genetics (formerly Invitae), Labcorp
Classification: Uncertain significance. Last evaluated: 2025-07-08. Review status: criteria provided, single submitter. Criteria: Invitae Variant Classification Sherloc (09022015). Collection method: clinical testing. Allele origin: germline.
Comment: This sequence change replaces glycine, which is neutral and non-polar, with arginine, which is basic and polar, at codon 320 of the APPL1 protein (p.Gly320Arg). This variant is present in population databases (rs756623911, gnomAD 0.006%). This variant has not been reported in the literature in individuals affected with APPL1-related conditions. ClinVar contains an entry for this variant (Variation ID: 3128083). Invitae Evidence Modeling of protein sequence and biophysical properties (such as structural, functional, and spatial information, amino acid conservation, physicochemical variation, residue mobility, and thermodynamic stability) indicates that this missense variant is not expected to disrupt APPL1 protein function with a negative predictive value of 80%. In summary, the available evidence is currently insufficient to determine the role of this variant in disease. Therefore, it has been classified as a Variant of Uncertain Significance.

Ambry Genetics
Classification: Uncertain significance. Last evaluated: 2023-10-20. Review status: criteria provided, single submitter. Criteria: Ambry Variant Classification Scheme 2023. Collection method: clinical testing. Allele origin: germline.

NM_012096.3(APPL1):c.958G>C (p.Gly320Arg)

Gene: APPL1 (adaptor protein, phosphotyrosine interacting with PH domain and leucine zipper 1; plus strand). Cytogenetic location: 3p14.3.
Variant type: single nucleotide variant.
Coding change: c.958G>C on transcript NM_012096.3 (MANE Select); coding-DNA position 958, G replaced by C.
Protein change: p.Gly320Arg; replaces glycine 320 with arginine.
Molecular consequence: missense variant.
Genome position (GRCh38, 1-based): chr3:57,249,454, G>C. VCF-style: chr3-57249454-G-C. GRCh37 (hg19) VCF-style: chr3-57283482-G-C.
Other names: short protein forms G320R.
Identifiers: ClinVar variation 3128083 (VCV003128083.2), dbSNP rs756623911, ClinGen allele CA2463656.